The following is an entry in ClinVar:

ClinVar aggregate classification (germline): Uncertain significance (1 of 4 stars; one submission).

Conditions:
Hereditary cancer-predisposing syndrome. Also called: Hereditary Cancer Syndrome; Hereditary neoplastic syndrome; Neoplastic Syndromes, Hereditary; Tumor predisposition. Identifiers: Orphanet 140162, MedGen C0027672, MeSH D009386, MONDO:0015356.

Submission:

Ambry Genetics
Classification: Uncertain significance for Hereditary cancer-predisposing syndrome. Last evaluated: 2025-04-12. Review status: criteria provided, single submitter. Criteria: Ambry Variant Classification Scheme 2023. Collection method: clinical testing. Allele origin: germline.
Comment: The p.W898C variant (also known as c.2694G>T), located in coding exon 7 of the PALB2 gene, results from a G to T substitution at nucleotide position 2694. The tryptophan at codon 898 is replaced by cysteine, an amino acid with highly dissimilar properties. This amino acid position is conserved. In addition, this alteration is predicted to be deleterious by in silico analysis. Based on the available evidence, the clinical significance of this variant remains unclear.

NM_024675.4(PALB2):c.2694G>T (p.Trp898Cys)

Gene: PALB2 (partner and localizer of BRCA2; minus strand). Cytogenetic location: 16p12.2.
Variant type: single nucleotide variant.
Coding change: c.2694G>T on transcript NM_024675.4 (MANE Select); coding-DNA position 2694, G replaced by T.
Protein change: p.Trp898Cys; replaces tryptophan 898 with cysteine.
Molecular consequence: missense variant. On other transcripts: intron variant (3).
Genome position (GRCh38, 1-based): chr16:23,626,290, C>A on the plus strand (G>T on the coding strand, the complement: PALB2 is on the minus strand). VCF-style: chr16-23626290-C-A. GRCh37 (hg19) VCF-style: chr16-23637611-C-A.
Other names: c.2634G>T, p.Trp878Cys (NM_001407296.1); c.2622G>T, p.Trp874Cys (NM_001407297.1); c.2694G>T, p.Trp898Cys (NM_001407299.1, NM_001407300.1, NM_001407301.1); c.1809G>T, p.Trp603Cys (NM_001407304.1, NM_001407305.1, NM_001407306.1 and 4 more transcripts); c.906G>T, p.Trp302Cys (NM_001407312.1, NM_001407313.1); c.228G>T, p.Trp76Cys (NM_001407314.1); c.2587-2196G>T (NM_001407302.1, NM_001407298.1); c.1702-2196G>T (NM_001407307.1); short protein forms W302C, W603C, W878C, W76C, W874C, W898C.
Identifiers: ClinVar variation 3927433 (VCV003927433.1).